The following is an entry in ClinVar:

ClinVar aggregate classification (germline): Uncertain significance (1 of 4 stars; one submission).

Submission:

Labcorp Genetics (formerly Invitae), Labcorp
Classification: Uncertain significance. Last evaluated: 2025-07-28. Review status: criteria provided, single submitter. Criteria: Invitae Variant Classification Sherloc (09022015). Collection method: clinical testing. Allele origin: germline.
Comment: This sequence change replaces serine, which is neutral and polar, with asparagine, which is neutral and polar, at codon 1553 of the CELSR2 protein (p.Ser1553Asn). This variant is not present in population databases (gnomAD no frequency). This variant has not been reported in the literature in individuals affected with CELSR2-related conditions. ClinVar contains an entry for this variant (Variation ID: 3011776). Invitae Evidence Modeling of protein sequence and biophysical properties (such as structural, functional, and spatial information, amino acid conservation, physicochemical variation, residue mobility, and thermodynamic stability) indicates that this missense variant is not expected to disrupt CELSR2 protein function with a negative predictive value of 80%. In summary, the available evidence is currently insufficient to determine the role of this variant in disease. Therefore, it has been classified as a Variant of Uncertain Significance.

NM_001408.3(CELSR2):c.4658G>A (p.Ser1553Asn)

Gene: CELSR2 (cadherin EGF LAG seven-pass G-type receptor 2; plus strand). Cytogenetic location: 1p13.3.
Variant type: single nucleotide variant.
Coding change: c.4658G>A on transcript NM_001408.3 (MANE Select); coding-DNA position 4658, G replaced by A.
Protein change: p.Ser1553Asn; replaces serine 1553 with asparagine.
Molecular consequence: missense variant.
Genome position (GRCh38, 1-based): chr1:109,262,919, G>A. VCF-style: chr1-109262919-G-A. GRCh37 (hg19) VCF-style: chr1-109805541-G-A.
Other names: short protein forms S1553N.
Identifiers: ClinVar variation 3011776 (VCV003011776.3), dbSNP rs2526461148, ClinGen allele CA341500160.